The following is an entry in ClinVar:

ClinVar aggregate classification (germline): Benign (1 of 4 stars; one submission).

Allele frequency attached by ClinVar (database versions not stated): TOPMed 0.00008; gnomAD 0.00015; 1000 Genomes Project 30x 0.00016; ESP Exome Variant Server 0.00016; 1000 Genomes Project 0.00020; gnomAD exomes 0.00023; ExAC 0.00042.
gnomAD v4.1: 359 of 1,611,774 alleles (0.022%); highest among the groups gnomAD compares: South Asian, 0.23%; 2 homozygotes.

Submission:

CeGaT Center for Human Genetics Tuebingen
Classification: Benign. Last evaluated: 2022-06-01. Review status: criteria provided, single submitter. Criteria: CeGaT Center For Human Genetics Tuebingen Variant Classification Criteria Version 2. Collection method: clinical testing. Allele origin: germline. Affected: yes. Observed: 1 variant allele.
Comment: SPTBN5: BS1, BS2

NM_016642.4(SPTBN5):c.3136C>T (p.Leu1046=)

Gene: SPTBN5 (spectrin beta, non-erythrocytic 5; minus strand). Cytogenetic location: 15q15.1.
Variant type: single nucleotide variant.
Coding change: c.3136C>T on transcript NM_016642.4 (MANE Select); coding-DNA position 3136, C replaced by T.
Protein change: p.Leu1046=; no amino-acid change (leucine 1046 retained).
Molecular consequence: synonymous variant.
Genome position (GRCh38, 1-based): chr15:41,879,306, G>A on the plus strand (C>T on the coding strand, the complement: SPTBN5 is on the minus strand). VCF-style: chr15-41879306-G-A. GRCh37 (hg19) VCF-style: chr15-42171504-G-A.
Identifiers: ClinVar variation 2645227 (VCV002645227.24), dbSNP rs377236170, ClinGen allele CA7503728.